The following is an entry in ClinVar:

NM_000051.4(ATM):c.8772A>C (p.Glu2924Asp)

Genes: ATM (ATM serine/threonine kinase; plus strand), C11orf65 (chromosome 11 open reading frame 65; minus strand). Cytogenetic location: 11q22.3.
Variant type: single nucleotide variant.
Coding change: c.8772A>C on transcript NM_000051.4 (MANE Select); coding-DNA position 8772, A replaced by C.
Protein change: p.Glu2924Asp; replaces glutamic acid 2924 with aspartic acid.
Molecular consequence: missense variant. On other transcripts: intron variant (2).
Genome position (GRCh38, 1-based): chr11:108,353,866, A>C. VCF-style: chr11-108353866-A-C. GRCh37 (hg19) VCF-style: chr11-108224593-A-C.
Other names: c.8772A>C, p.Glu2924Asp (NM_001351834.2); c.640+32054T>G (NM_001330368.2); c.695-18574T>G (NM_001351110.2); short protein forms E2924D.
Identifiers: ClinVar variation 859890 (VCV000859890.48), dbSNP rs2089519648, ClinGen allele CA382524267.

ClinVar aggregate classification (germline): Uncertain significance (1 of 4 stars; one submission).

Conditions:
Ataxia-telangiectasia syndrome (AT). Also called: ATAXIA-TELANGIECTASIA, COMPLEMENTATION GROUP A; ATAXIA-TELANGIECTASIA, FRESNO VARIANT; Ataxia-telangiectasia; Ataxia-telangiectasia, complementation group D; AT, COMPLEMENTATION GROUP C; Ataxia-telangiectasia, complementation group E. Identifiers: Orphanet 100, MedGen C0004135, MONDO:0008840, OMIM 208900.

Submission:

Labcorp Genetics (formerly Invitae), Labcorp
Classification: Uncertain significance for Ataxia-telangiectasia syndrome. Last evaluated: 2025-06-01. Review status: criteria provided, single submitter. Criteria: Invitae Variant Classification Sherloc (09022015). Collection method: clinical testing. Allele origin: germline.
Comment: This sequence change replaces glutamic acid, which is acidic and polar, with aspartic acid, which is acidic and polar, at codon 2924 of the ATM protein (p.Glu2924Asp). This variant is not present in population databases (gnomAD no frequency). This variant has not been reported in the literature in individuals affected with ATM-related conditions. ClinVar contains an entry for this variant (Variation ID: 859890). Invitae Evidence Modeling of protein sequence and biophysical properties (such as structural, functional, and spatial information, amino acid conservation, physicochemical variation, residue mobility, and thermodynamic stability) has been performed for this missense variant. However, the output from this modeling did not meet the statistical confidence thresholds required to predict the impact of this variant on ATM protein function. In summary, the available evidence is currently insufficient to determine the role of this variant in disease. Therefore, it has been classified as a Variant of Uncertain Significance.